The following is an entry in ClinVar:

NM_007294.4(BRCA1):c.4039dup (p.Arg1347fs)

Genes: BRCA1 (BRCA1 DNA repair associated; minus strand), LOC126862571 (BRD4-independent group 4 enhancer GRCh37_chr17:41243136-41244335; plus strand). Cytogenetic location: 17q21.31.
Variant type: Duplication.
Coding change: c.4039dup on transcript NM_007294.4 (MANE Select); coding-DNA position 4039, one base duplicated (A; older notation c.4039dupA).
Protein change: p.Arg1347fs; shifts the reading frame from arginine 1347.
Molecular consequence: frameshift variant. On other transcripts: intron variant (135).
Genome position (GRCh38, 1-based): chr17:43,091,492, T duplicated on the plus strand (A on the coding strand, the reverse complement: BRCA1 is on the minus strand); the first of 3 consecutive T bases (chr17:43,091,492-43,091,494); duplicating any one gives the same sequence. VCF-style (leftmost placement, unchanged base first): chr17-43091491-C-CT. GRCh37 (hg19) VCF-style: chr17-41243508-C-CT.
Other names: 4158insA; c.4039dup, p.Arg1347fs (NM_007294.3, NM_001407854.1, NM_001407858.1 and 31 more transcripts); c.3898dup, p.Arg1300fs (NM_001407692.1, NM_001407694.1, NM_001407695.1 and 29 more transcripts); c.3895dup, p.Arg1299fs (NM_001407838.1, NM_001407839.1, NM_001407841.1 and 20 more transcripts); c.4036dup, p.Arg1346fs (NM_001407860.1, NM_001407861.1, NM_001407587.1 and 22 more transcripts); c.3838dup, p.Arg1280fs (NM_001407862.1); c.3916dup, p.Arg1306fs (NM_001407863.1, NM_001407938.1, NM_001407939.1 and 19 more transcripts); c.3835dup, p.Arg1279fs (NM_001407874.1, NM_001407875.1); and 42 more; short protein forms R1300fs, R1347fs, R1220fs, R1235fs, R479fs, R1051fs, R1259fs, R1277fs.
Identifiers: ClinVar variation 266432 (VCV000266432.11), dbSNP rs273900721, ClinGen allele CA10589700.
Genomic context (GRCh38, chr17:43,091,491, plus strand): 5'-ATACCTAAGTTTGAATCCATGCTTTGCTCTTCTTGATTATTTTCTTCCAAGCCCGTTCCT[C>CT]TTTCTTCATCATCTGAAACCAATTCCTTGTCACTCAGACCAACTCCCTGGCTTTCAGACT-3'

ClinVar aggregate classification (germline): Pathogenic. Review status: reviewed by expert panel (3 of 4 stars). 4 submissions from 4 submitters: Pathogenic (1). 3 of the submissions do not count toward it. Last evaluated 2016-10-18.

Conditions:
Hereditary breast ovarian cancer syndrome. Also called: Hereditary breast and ovarian cancer syndrome (HBOC); Breast and ovarian cancer; Hereditary breast and ovarian cancer syndrome; Hereditary breast and ovarian cancer; BRCA1- and BRCA2-Associated Hereditary Breast and Ovarian Cancer; Hereditary breast and/or ovarian cancer syndrome. Identifiers: Orphanet 145, MedGen C0677776, MeSH D061325, MONDO:0003582. Disease mechanism: loss of function.
Breast-ovarian cancer, familial, susceptibility to, 1 (BROVCA1). Also called: BRCA1 Hereditary Breast and Ovarian Cancer; OVARIAN CANCER, SUSCEPTIBILITY TO. Identifiers: Orphanet 145, MedGen C2676676, MONDO:0011450, OMIM 604370. Disease mechanism: loss of function.

Submissions (4):

Evidence-based Network for the Interpretation of Germline Mutant Alleles (ENIGMA)
Classification: Pathogenic for Breast-ovarian cancer, familial, susceptibility to, 1. Last evaluated: 2016-10-18. Review status: reviewed by expert panel. Criteria: ENIGMA BRCA1/2 Classification Criteria (2015). Collection method: curation. Allele origin: germline.
Comment: Variant allele predicted to encode a truncated non-functional protein.

Clinical Genetics Laboratory, Skane University Hospital Lund
Classification: Pathogenic. Last evaluated: 2023-03-08. Review status: criteria provided, single submitter. Criteria: ACMG Guidelines, 2015. Collection method: clinical testing. Allele origin: germline. Affected: yes. Not counted in ClinVar's aggregate classification.

Labcorp Genetics (formerly Invitae), Labcorp
Classification: Pathogenic for Hereditary breast ovarian cancer syndrome. Last evaluated: 2021-10-27. Review status: criteria provided, single submitter. Criteria: Invitae Variant Classification Sherloc (09022015). Collection method: clinical testing. Allele origin: germline. Not counted in ClinVar's aggregate classification.
Comment: This variant has not been reported in the literature in individuals affected with BRCA1-related conditions. For these reasons, this variant has been classified as Pathogenic. ClinVar contains an entry for this variant (Variation ID: 266432). This variant is not present in population databases (gnomAD no frequency). This sequence change creates a premature translational stop signal (p.Arg1347Lysfs*9) in the BRCA1 gene. It is expected to result in an absent or disrupted protein product. Loss-of-function variants in BRCA1 are known to be pathogenic (PMID: 20104584).

Consortium of Investigators of Modifiers of BRCA1/2 (CIMBA), c/o University of Cambridge
Classification: Pathogenic for Breast-ovarian cancer, familial, susceptibility to, 1. Last evaluated: 2015-10-02. Review status: criteria provided, single submitter. Criteria: CIMBA Mutation Classification guidelines May 2016. Collection method: clinical testing. Allele origin: germline. Not counted in ClinVar's aggregate classification.

Literature cited by the submitters: PubMed 20104584 (cited by Labcorp Genetics (formerly Invitae), Labcorp).